The following is an entry in ClinVar:

ClinVar aggregate classification (germline): Uncertain significance (1 of 4 stars; one submission).

Submission:

Labcorp Genetics (formerly Invitae), Labcorp
Classification: Uncertain significance. Last evaluated: 2022-02-25. Review status: criteria provided, single submitter. Criteria: Invitae Variant Classification Sherloc (09022015). Collection method: clinical testing. Allele origin: germline.
Comment: This variant is not present in population databases (gnomAD no frequency). This sequence change replaces glycine, which is neutral and non-polar, with serine, which is neutral and polar, at codon 317 of the PYCR1 protein (p.Gly317Ser). This variant has not been reported in the literature in individuals affected with PYCR1-related conditions. Algorithms developed to predict the effect of missense changes on protein structure and function (SIFT, PolyPhen-2, Align-GVGD) all suggest that this variant is likely to be tolerated. In summary, the available evidence is currently insufficient to determine the role of this variant in disease. Therefore, it has been classified as a Variant of Uncertain Significance.

NM_006907.4(PYCR1):c.949G>A (p.Gly317Ser)

Gene: PYCR1 (pyrroline-5-carboxylate reductase 1; minus strand). Cytogenetic location: 17q25.3.
Variant type: single nucleotide variant.
Coding change: c.949G>A on transcript NM_006907.4 (MANE Select); coding-DNA position 949, G replaced by A.
Protein change: p.Gly317Ser; replaces glycine 317 with serine.
Molecular consequence: missense variant. On other transcripts: 3 prime UTR variant (1), intron variant (1).
Genome position (GRCh38, 1-based): chr17:81,933,225, C>T on the plus strand (G>A on the coding strand, the complement: PYCR1 is on the minus strand). VCF-style: chr17-81933225-C-T. GRCh37 (hg19) VCF-style: chr17-79891101-C-T.
Other names: c.856G>A, p.Gly286Ser (NM_001282279.2); c.949G>A, p.Gly317Ser (NM_001282280.2); c.1030G>A, p.Gly344Ser (NM_001282281.2); c.*131G>A (NM_001330523.2); c.867+82G>A (NM_153824.3); short protein forms G344S, G286S, G317S.
Identifiers: ClinVar variation 2103391 (VCV002103391.4), dbSNP rs2510110590, ClinGen allele CA401536361.
Genomic context (GRCh38, chr17:81,933,225, plus strand): 5'-TGACAAGAGAAGAGAAGGTGGTGGCAGGATGGTGGTCAGGCAGGACGTGTCAATCCTTGC[C>T]CGCTGGGGCCAGGCTGCGGGGGAGCAGCTTGGTGTGGCCAGAAGGTGACAGAGCGGTCCC-3'
Protein context (NP_008838.2, residues 307-319): KLLPRSLAPA[Gly317Ser]KD